The following is an entry in ClinVar:

NM_022132.5(MCCC2):c.384-20A>G

Gene: MCCC2 (methylcrotonyl-CoA carboxylase subunit 2; plus strand). Cytogenetic location: 5q13.2.
Variant type: single nucleotide variant.
Coding change: c.384-20A>G on transcript NM_022132.5 (MANE Select); 20 bases into the intron before coding-DNA position 384, A replaced by G.
Molecular consequence: intron variant.
Genome position (GRCh38, 1-based): chr5:71,602,486, A>G. VCF-style: chr5-71602486-A-G. GRCh37 (hg19) VCF-style: chr5-70898313-A-G.
Other names: c.384-20A>G (NM_001363147.1).
Identifiers: ClinVar variation 427200 (VCV000427200.8), dbSNP rs770917710, ClinGen allele CA3297764.

ClinVar aggregate classification (germline): Conflicting classifications of pathogenicity. Review status: criteria provided, conflicting classifications (1 of 4 stars). 4 submissions from 4 submitters: Likely pathogenic (1); Uncertain significance (3). Last evaluated 2026-07-22.

Conditions:
3-methylcrotonyl-CoA carboxylase 2 deficiency. Also called: METHYLCROTONYLGLYCINURIA, TYPE II; 3 alpha methylcrotonyl-CoA carboxylase 2 deficiency; 3 alpha methylcrotonylglycinuria 2; MCC 2 deficiency; Methylcrotonylglycinuria type 2. Identifiers: Orphanet 6, MedGen C1859499, MONDO:0008862, OMIM 210210.

Allele frequency attached by ClinVar (database versions not stated): gnomAD exomes 0.00002 and 0.00004; gnomAD 0.00005; ExAC 0.00006; TOPMed 0.00011.
gnomAD v4.1: 46 of 1,613,990 alleles (0.0029%); highest among the groups gnomAD compares: Middle Eastern, 0.016%; no homozygotes.

Submissions (4):

Myriad Genetics, Inc.
Classification: Uncertain significance for 3-methylcrotonyl-CoA carboxylase 2 deficiency. Last evaluated: 2026-07-22. Review status: criteria provided, single submitter. Criteria: Myriad Autosomal Dominant, Autosomal Recessive and X-Linked Classification Criteria (2023). Collection method: clinical testing. Allele origin: unknown.
Comment: NM_022132.4(MCCC2):c.384-20A>G is an intronic variant classified as a variant of uncertain significance in the context of 3-methylcrotonyl-CoA carboxylase deficiency, MCCC2-related. c.384-20A>G has been observed in cases with relevant disease (PMID: 36822454, 31901042). Relevant functional assessments of this variant are not available in the literature. c.384-20A>G has been observed in referenced population frequency databases. In summary, there is insufficient evidence to classify NM_022132.4(MCCC2):c.384-20A>G as pathogenic or benign. Please note: this variant was assessed in the context of healthy population screening.

GeneDx
Classification: Uncertain significance. Last evaluated: 2025-10-13. Review status: criteria provided, single submitter. Criteria: GeneDx Variant Classification Process June 2021. Collection method: clinical testing. Allele origin: germline. Affected: yes.
Comment: Identified with a second variant in a patient with MCCC2-related 3-methylcrotonyl-CoA carboxylase deficiency in published literature (PMID: 36822454); In silico analysis supports a deleterious effect on splicing; This variant is associated with the following publications: (PMID: 31589614, 31901042, 36822454)

First Genomix Gene Laboratory, Genetic Diagnostics Department
Classification: Likely pathogenic for 3-methylcrotonyl-CoA carboxylase 2 deficiency. Last evaluated: 2025-08-26. Review status: criteria provided, single submitter. Criteria: ACMG Guidelines, 2015. Collection method: clinical testing. Allele origin: germline. Inheritance: Autosomal recessive inheritance. Affected: no. Observed: 1 variant allele.

Labcorp Genetics (formerly Invitae), Labcorp
Classification: Uncertain significance for 3-methylcrotonyl-CoA carboxylase 2 deficiency. Last evaluated: 2022-11-01. Review status: criteria provided, single submitter. Criteria: Invitae Variant Classification Sherloc (09022015). Collection method: clinical testing. Allele origin: germline.
Comment: This sequence change falls in intron 4 of the MCCC2 gene. It does not directly change the encoded amino acid sequence of the MCCC2 protein. This variant is present in population databases (rs770917710, gnomAD 0.03%). This variant has been observed in individual(s) with MCCC2-related conditions (PMID: 31901042). ClinVar contains an entry for this variant (Variation ID: 427200). Algorithms developed to predict the effect of sequence changes on RNA splicing suggest that this variant may disrupt the consensus splice site. In summary, the available evidence is currently insufficient to determine the role of this variant in disease. Therefore, it has been classified as a Variant of Uncertain Significance.

Literature cited by the submitters: PubMed 31901042 (cited by Myriad Genetics, Inc. and Labcorp Genetics (formerly Invitae), Labcorp); PubMed 36822454 (cited by Myriad Genetics, Inc.).